The following is an entry in ClinVar:

NM_145207.3(AFG2A):c.421del (p.Ala141fs)

Gene: AFG2A (AAA ATPase AFG2A; plus strand). Cytogenetic location: 4q28.1.
Variant type: Deletion.
Coding change: c.421del on transcript NM_145207.3 (MANE Select); coding-DNA position 421, one base deleted (G; older notation c.421delG).
Protein change: p.Ala141fs; shifts the reading frame from alanine 141.
Molecular consequence: frameshift variant.
Genome position (GRCh38, 1-based): chr4:122,929,172, G deleted; the last of 2 consecutive G bases (chr4:122,929,171-122,929,172); deleting either gives the same sequence. VCF-style (leftmost placement, unchanged base first): chr4-122929170-AG-A. GRCh37 (hg19) VCF-style: chr4-123850325-AG-A.
Other names: c.418del, p.Ala140fs (NM_001317799.2, NM_001345856.2); short protein forms A140fs, A141fs.
Identifiers: ClinVar variation 946570 (VCV000946570.6), dbSNP rs1728590350, ClinGen allele CA1139658641.

ClinVar aggregate classification (germline): Pathogenic (1 of 4 stars; one submission).

Conditions:
Microcephaly-intellectual disability-sensorineural hearing loss-epilepsy-abnormal muscle tone syndrome (NEDHSB). Also called: NEURODEVELOPMENTAL DISORDER WITH HEARING LOSS, SEIZURES, AND BRAIN ABNORMALITIES. Identifiers: Orphanet 457351, MedGen C4225276, MONDO:0014698, OMIM 616577.

Submission:

Labcorp Genetics (formerly Invitae), Labcorp
Classification: Pathogenic for Microcephaly-intellectual disability-sensorineural hearing loss-epilepsy-abnormal muscle tone syndrome. Last evaluated: 2022-08-09. Review status: criteria provided, single submitter. Criteria: Invitae Variant Classification Sherloc (09022015). Collection method: clinical testing. Allele origin: germline.
Comment: For these reasons, this variant has been classified as Pathogenic. Algorithms developed to predict the effect of sequence changes on RNA splicing suggest that this variant may create or strengthen a splice site. ClinVar contains an entry for this variant (Variation ID: 946570). This variant has not been reported in the literature in individuals affected with SPATA5-related conditions. This variant is not present in population databases (gnomAD no frequency). This sequence change creates a premature translational stop signal (p.Ala141Leufs*8) in the SPATA5 gene. It is expected to result in an absent or disrupted protein product. Loss-of-function variants in SPATA5 are known to be pathogenic (PMID: 26299366).

Literature cited by the submitters: PubMed 26299366.